The following is an entry in ClinVar:

ClinVar aggregate classification (germline): Conflicting classifications of pathogenicity. Review status: criteria provided, conflicting classifications (1 of 4 stars). 3 submissions from 3 submitters: Uncertain significance (1); Likely benign (2). Last evaluated 2023-08-21.

Conditions:
Hereditary breast ovarian cancer syndrome. Also called: Hereditary breast and ovarian cancer syndrome; Breast and ovarian cancer; Hereditary breast and/or ovarian cancer syndrome; Hereditary breast and ovarian cancer; BRCA1- and BRCA2-Associated Hereditary Breast and Ovarian Cancer; Hereditary breast and ovarian cancer syndrome (HBOC). Identifiers: Orphanet 145, MedGen C0677776, MeSH D061325, MONDO:0003582. Disease mechanism: loss of function.
Hereditary cancer-predisposing syndrome. Also called: Tumor predisposition; Neoplastic Syndromes, Hereditary; Hereditary neoplastic syndrome; Hereditary Cancer Syndrome. Identifiers: Orphanet 140162, MedGen C0027672, MeSH D009386, MONDO:0015356.

Submissions (3):

Women's Health and Genetics/Laboratory Corporation of America, LabCorp
Classification: Uncertain significance. Last evaluated: 2023-08-21. Review status: criteria provided, single submitter. Criteria: LabCorp Variant Classification Summary - May 2015. Collection method: clinical testing. Allele origin: germline.
Comment: Variant summary: BRCA2 c.10225C>T (p.Gln3409X) results in a premature termination codon and is predicted to cause a truncation of the encoded protein, which is a commonly known mechanisms for disease. Although the variant is not expected to result in absence of the protein through nonsense mediated decay, the variant is expected to disrupt the last 10 amino acids in the protein sequence. The variant was absent in 251000 control chromosomes (gnomAD). The available data on variant occurrences in the general population are insufficient to allow any conclusion about variant significance. c.10225C>T has been reported in the literature in at least one individuals affected with Breast Cancer without evidence of segregation (Alvarez_2017). This report does not provide unequivocal conclusions about association of the variant with Hereditary Breast And Ovarian Cancer Syndrome. To our knowledge, no experimental evidence demonstrating an impact on protein function has been reported. The following publication has been ascertained in the context of this evaluation (PMID: 29088781). Two ClinVar submitters have assessed the variant since 2014, and both classified the variant as likely benign. Based on the evidence outlined above, the variant was classified as uncertain significance.

Labcorp Genetics (formerly Invitae), Labcorp
Classification: Likely benign for Hereditary breast ovarian cancer syndrome. Last evaluated: 2022-09-19. Review status: criteria provided, single submitter. Criteria: Invitae Variant Classification Sherloc (09022015). Collection method: clinical testing. Allele origin: germline.

Ambry Genetics
Classification: Likely benign for Hereditary cancer-predisposing syndrome. Last evaluated: 2021-11-22. Review status: criteria provided, single submitter. Criteria: Ambry Variant Classification Scheme 2023. Collection method: clinical testing. Allele origin: germline.

Literature cited by the submitters: PubMed 29088781 (cited by Women's Health and Genetics/Laboratory Corporation of America, LabCorp and Ambry Genetics).

NM_000059.4(BRCA2):c.10225C>T (p.Gln3409Ter)

Gene: BRCA2 (BRCA2 DNA repair associated; plus strand). Cytogenetic location: 13q13.1.
Variant type: single nucleotide variant.
Coding change: c.10225C>T on transcript NM_000059.4 (MANE Select); coding-DNA position 10225, C replaced by T.
Protein change: p.Gln3409Ter; replaces glutamine 3409 with a stop codon.
Molecular consequence: nonsense.
Genome position (GRCh38, 1-based): chr13:32,398,738, C>T. VCF-style: chr13-32398738-C-T. GRCh37 (hg19) VCF-style: chr13-32972875-C-T.
Other names: short protein forms Q3409*.
Identifiers: ClinVar variation 1152129 (VCV001152129.12), dbSNP rs2137667834, ClinGen allele CA387768546.